The following is an entry in ClinVar:

NM_032380.5(GFM2):c.2287A>G (p.Met763Val)

Gene: GFM2 (GTP dependent ribosome recycling factor mitochondrial 2; minus strand). Cytogenetic location: 5q13.3.
Variant type: single nucleotide variant.
Coding change: c.2287A>G on transcript NM_032380.5 (MANE Select); coding-DNA position 2287, A replaced by G.
Protein change: p.Met763Val; replaces methionine 763 with valine.
Molecular consequence: missense variant. On other transcripts: non-coding transcript variant (1).
Genome position (GRCh38, 1-based): chr5:74,721,708, T>C on the plus strand (A>G on the coding strand, the complement: GFM2 is on the minus strand). VCF-style: chr5-74721708-T-C. GRCh37 (hg19) VCF-style: chr5-74017533-T-C.
Other names: c.2383A>G, p.Met795Val (NM_001281302.2); c.2146A>G, p.Met716Val (NM_170691.3); short protein forms M716V, M763V, M795V.
Identifiers: ClinVar variation 1329540 (VCV001329540.9), dbSNP rs182739367, ClinGen allele CA3306303.

ClinVar aggregate classification (germline): Uncertain significance. Review status: criteria provided, multiple submitters, no conflicts (2 of 4 stars). 4 submissions from 4 submitters: Uncertain significance (4). Last evaluated 2025-12-16.

Conditions:
Inborn genetic diseases. Identifiers: MedGen C0950123, MeSH D030342.

Allele frequency attached by ClinVar (database versions not stated): gnomAD 0.00002 and 0.00004; TOPMed 0.00002; gnomAD exomes 0.00005 and 0.00007; ExAC 0.00006; 1000 Genomes Project 0.00040; 1000 Genomes Project 30x 0.00062.
gnomAD v4.1: 115 of 1,613,868 alleles (0.0071%); highest among the groups gnomAD compares: Middle Eastern, 0.016%; no homozygotes.

Submissions (4):

Ambry Genetics
Classification: Uncertain significance for Inborn genetic diseases. Last evaluated: 2025-12-16. Review status: criteria provided, single submitter. Criteria: Ambry Variant Classification Scheme 2023. Collection method: clinical testing. Allele origin: germline.

Blueprint Genetics
Classification: Uncertain significance. Last evaluated: 2024-11-01. Review status: criteria provided, single submitter. Criteria: ACMG Guidelines, 2015. Collection method: clinical testing. Allele origin: germline.

Labcorp Genetics (formerly Invitae), Labcorp
Classification: Uncertain significance. Last evaluated: 2023-07-25. Review status: criteria provided, single submitter. Criteria: Invitae Variant Classification Sherloc (09022015). Collection method: clinical testing. Allele origin: germline.
Comment: In summary, the available evidence is currently insufficient to determine the role of this variant in disease. Therefore, it has been classified as a Variant of Uncertain Significance. Advanced modeling of protein sequence and biophysical properties (such as structural, functional, and spatial information, amino acid conservation, physicochemical variation, residue mobility, and thermodynamic stability) performed at Invitae indicates that this missense variant is not expected to disrupt GFM2 protein function. ClinVar contains an entry for this variant (Variation ID: 1329540). This variant has not been reported in the literature in individuals affected with GFM2-related conditions. This variant is present in population databases (rs182739367, gnomAD 0.009%). This sequence change replaces methionine, which is neutral and non-polar, with valine, which is neutral and non-polar, at codon 763 of the GFM2 protein (p.Met763Val).

GeneDx
Classification: Uncertain significance. Last evaluated: 2021-06-22. Review status: criteria provided, single submitter. Criteria: GeneDx Variant Classification Process June 2021. Collection method: clinical testing. Allele origin: germline. Affected: yes.